The following is an entry in ClinVar:

ClinVar aggregate classification (germline): Uncertain significance (1 of 4 stars; one submission).

Conditions:
Polyhydramnios, megalencephaly, and symptomatic epilepsy (PMSE). Also called: PMSE SYNDROME. Identifiers: Orphanet 500533, MedGen C1970203, MONDO:0012611, OMIM 611087.

Allele frequency attached by ClinVar (database versions not stated): gnomAD exomes below 0.00001.
gnomAD v4.1: 4 of 1,614,242 alleles (0.00025%); highest among the groups gnomAD compares: Non-Finnish European, 0.00025%; no homozygotes.

Submission:

Labcorp Genetics (formerly Invitae), Labcorp
Classification: Uncertain significance for Polyhydramnios, megalencephaly, and symptomatic epilepsy. Last evaluated: 2021-09-02. Review status: criteria provided, single submitter. Criteria: Invitae Variant Classification Sherloc (09022015). Collection method: clinical testing. Allele origin: germline.
Comment: This sequence change replaces phenylalanine with serine at codon 137 of the STRADA protein (p.Phe137Ser). The phenylalanine residue is highly conserved and there is a large physicochemical difference between phenylalanine and serine. This variant is not present in population databases (ExAC no frequency). This variant has not been reported in the literature in individuals affected with STRADA-related conditions. Algorithms developed to predict the effect of missense changes on protein structure and function (SIFT, PolyPhen-2, Align-GVGD) all suggest that this variant is likely to be disruptive. In summary, the available evidence is currently insufficient to determine the role of this variant in disease. Therefore, it has been classified as a Variant of Uncertain Significance.

NM_001003787.4(STRADA):c.410T>C (p.Phe137Ser)

Gene: STRADA (STE20 related adaptor alpha; minus strand). Cytogenetic location: 17q23.3.
Variant type: single nucleotide variant.
Coding change: c.410T>C on transcript NM_001003787.4 (MANE Select); coding-DNA position 410, T replaced by C.
Protein change: p.Phe137Ser; replaces phenylalanine 137 with serine.
Molecular consequence: missense variant. On other transcripts: non-coding transcript variant (1).
Genome position (GRCh38, 1-based): chr17:63,710,775, A>G on the plus strand (T>C on the coding strand, the complement: STRADA is on the minus strand). VCF-style: chr17-63710775-A-G. GRCh37 (hg19) VCF-style: chr17-61788135-A-G.
Other names: c.299T>C, p.Phe100Ser (NM_001003786.3, NM_001363789.1, NM_153335.6); c.236T>C, p.Phe79Ser (NM_001003788.3, NM_001363790.1, NM_001363791.1); c.323T>C, p.Phe108Ser (NM_001165969.2, NM_001363787.1); c.278T>C, p.Phe93Ser (NM_001165970.2); c.386T>C, p.Phe129Ser (NM_001363786.1); c.410T>C, p.Phe137Ser (NM_001363788.1); short protein forms F137S, F93S, F100S, F79S, F108S, F129S.
Identifiers: ClinVar variation 967086 (VCV000967086.7), dbSNP rs1329963868, ClinGen allele CA400593008.